The following is an entry in ClinVar:

ClinVar aggregate classification (germline): Uncertain significance (1 of 4 stars; one submission).

gnomAD v4.1: 2 of 1,613,972 alleles (0.00012%); highest among the groups gnomAD compares: African/African-American, 0.0027%; no homozygotes.

Submission:

CeGaT Center for Human Genetics Tuebingen
Classification: Uncertain significance. Last evaluated: 2025-06-01. Review status: criteria provided, single submitter. Criteria: CeGaT Center For Human Genetics Tuebingen Variant Classification Criteria Version 2. Collection method: clinical testing. Allele origin: germline. Affected: yes. Observed: 1 variant allele.
Comment: MED13L: PM2

NM_015335.5(MED13L):c.1554G>C (p.Glu518Asp)

Gene: MED13L (mediator complex subunit 13L; minus strand). Cytogenetic location: 12q24.21.
Variant type: single nucleotide variant.
Coding change: c.1554G>C on transcript NM_015335.5 (MANE Select); coding-DNA position 1554, G replaced by C.
Protein change: p.Glu518Asp; replaces glutamic acid 518 with aspartic acid.
Molecular consequence: missense variant.
Genome position (GRCh38, 1-based): chr12:116,008,859, C>G on the plus strand (G>C on the coding strand, the complement: MED13L is on the minus strand). VCF-style: chr12-116008859-C-G. GRCh37 (hg19) VCF-style: chr12-116446664-C-G.
Other names: short protein forms E518D.
Identifiers: ClinVar variation 4085155 (VCV004085155.8).